The following is an entry in ClinVar:

ClinVar aggregate classification (germline): Conflicting classifications of pathogenicity. Review status: criteria provided, conflicting classifications (1 of 4 stars). 3 submissions from 3 submitters: Uncertain significance (2); Likely benign (1). Last evaluated 2026-01-06.

Conditions:
Cardiovascular phenotype. Identifiers: MedGen CN230736.

Allele frequency attached by ClinVar (database versions not stated): gnomAD 0.00003.
gnomAD v4.1: 17 of 1,549,018 alleles (0.0011%); highest among the groups gnomAD compares: Admixed American, 0.0059%; 1 homozygote.

Submissions (3):

Labcorp Genetics (formerly Invitae), Labcorp
Classification: Uncertain significance. Last evaluated: 2026-01-06. Review status: criteria provided, single submitter. Criteria: Invitae Variant Classification Sherloc (09022015). Collection method: clinical testing. Allele origin: germline.
Comment: This sequence change replaces aspartic acid, which is acidic and polar, with histidine, which is basic and polar, at codon 2954 of the ZNF469 protein (p.Asp2954His). This variant is not present in population databases (gnomAD no frequency). This variant has not been reported in the literature in individuals affected with ZNF469-related conditions. ClinVar contains an entry for this variant (Variation ID: 1214611). An algorithm developed to predict the effect of missense changes on protein structure and function outputs the following: PolyPhen-2: "Possibly Damaging". The histidine amino acid residue is found in multiple mammalian species, which suggests that this missense change does not adversely affect protein function. In summary, the available evidence is currently insufficient to determine the role of this variant in disease. Therefore, it has been classified as a Variant of Uncertain Significance.

Ambry Genetics
Classification: Likely benign for Cardiovascular phenotype. Last evaluated: 2024-10-06. Review status: criteria provided, single submitter. Criteria: Ambry Variant Classification Scheme 2023. Collection method: clinical testing. Allele origin: germline.

GeneDx
Classification: Uncertain significance. Last evaluated: 2024-06-18. Review status: criteria provided, single submitter. Criteria: GeneDx Variant Classification Process June 2021. Collection method: clinical testing. Allele origin: germline. Affected: yes.
Comment: Not observed at significant frequency in large population cohorts (gnomAD); In silico analysis indicates that this missense variant does not alter protein structure/function; Has not been previously published as pathogenic or benign to our knowledge

NM_001367624.2(ZNF469):c.8944G>C (p.Asp2982His)

Gene: ZNF469 (zinc finger protein 469; plus strand). Cytogenetic location: 16q24.2.
Variant type: single nucleotide variant.
Coding change: c.8944G>C on transcript NM_001367624.2 (MANE Select); coding-DNA position 8944, G replaced by C.
Protein change: p.Asp2982His; replaces aspartic acid 2982 with histidine.
Molecular consequence: missense variant.
Genome position (GRCh38, 1-based): chr16:88,436,414, G>C. VCF-style: chr16-88436414-G-C. GRCh37 (hg19) VCF-style: chr16-88502822-G-C.
Other names: NM_001127464.1:c.8860G>C; short protein forms D2982H.
Identifiers: ClinVar variation 1214611 (VCV001214611.13), dbSNP rs1006857833, ClinGen allele CA286384794.
Genomic context (GRCh38, chr16:88,436,414, plus strand): 5'-GCCCTGGAGCCCAGCAGGGAAGCTGGTGCAGAGAAGCTGCCCTCCCACTGCCCCGAGGAC[G>C]ATCGGCCGGAGGCCATTCCTGAGCTGCACATGGTCCCAGCGGCTTGGCGAGGCCTGGAGA-3'
Protein context (NP_001354553.1, residues 2972-2992): EKLPSHCPED[Asp2982His]RPEAIPELHM